The following is an entry in ClinVar:

ClinVar aggregate classification (germline): Pathogenic. Review status: criteria provided, multiple submitters, no conflicts (2 of 4 stars). 7 submissions from 7 submitters: Pathogenic (7). Last evaluated 2024-10-08.

Conditions:
Severe early-childhood-onset retinal dystrophy (STGD1). Also called: STGD; Stargardt macular dystrophy; Juvenile onset macular degeneration; Stargardt disease 1; MACULAR DYSTROPHY WITH FLECKS, TYPE 1. Identifiers: Orphanet 364055, Orphanet 827, MedGen C1855465, MeSH D000080362, MONDO:0009549, OMIM 248200.
Retinal dystrophy. Also called: Inherited retinal dystrophy. Identifiers: Orphanet 71862, MedGen C0854723, MeSH D058499, MONDO:0019118, HP:0000556.
ABCA4-related disorder. Also called: ABCA4-related condition; ABCA4-related disorders. Identifiers: MedGen CN239167.

Submissions (7):

Victorian Clinical Genetics Services, Murdoch Childrens Research Institute
Classification: Pathogenic for Severe early-childhood-onset retinal dystrophy. Last evaluated: 2024-10-08. Review status: criteria provided, single submitter. Criteria: ACMG Guidelines, 2015. Collection method: clinical testing. Allele origin: germline. Inheritance: Autosomal recessive inheritance.
Comment: Based on the classification scheme VCGS_Germline_v1.3.4, this variant is classified as Pathogenic. Following criteria are met: 0102 - Loss of function is a known mechanism of disease in this gene and is associated with Stargardt disease 1 (MIM#248200) and other inherited retinal diseases (OMIM). (I) 0106 - This gene is associated with autosomal recessive disease. (I) 0115 - Variants in this gene are known to have variable expressivity (PMID: 31522899). (I) 0201 - Variant is predicted to cause nonsense-mediated decay (NMD) and loss of protein (premature termination codon is located at least 54 nucleotides upstream of the final exon-exon junction). (SP) 0301 - Variant is absent from gnomAD (both v2 and v3). (SP) 0701 - Other NMD-predicted variants comparable to the one identified in this case have very strong previous evidence for pathogenicity (DECIPHER). (SP) 0801 - This variant has strong previous evidence of pathogenicity in unrelated individuals. It has been identified in individuals with Stargardt disease (PMIDs: 31766579, 37734845), and classified as likely pathogenic/pathogenic by diagnostic laboratories in ClinVar. (SP) Legend: (SP) - Supporting pathogenic, (I) - Information, (SB) - Supporting benign

Labcorp Genetics (formerly Invitae), Labcorp
Classification: Pathogenic. Last evaluated: 2024-01-16. Review status: criteria provided, single submitter. Criteria: Invitae Variant Classification Sherloc (09022015). Collection method: clinical testing. Allele origin: germline.
Comment: This sequence change creates a premature translational stop signal (p.Gln876*) in the ABCA4 gene. It is expected to result in an absent or disrupted protein product. Loss-of-function variants in ABCA4 are known to be pathogenic (PMID: 10958761, 24938718, 25312043, 26780318). This variant is not present in population databases (gnomAD no frequency). This premature translational stop signal has been observed in individual(s) with inherited retinal disease (PMID: 29555955, 29854428). ClinVar contains an entry for this variant (Variation ID: 862066). For these reasons, this variant has been classified as Pathogenic.

Blueprint Genetics
Classification: Pathogenic for ABCA4-related disorders. Last evaluated: 2023-05-08. Review status: criteria provided, single submitter. Criteria: ACMG Guidelines, 2015. Collection method: clinical testing. Allele origin: germline. Affected: yes. Observed: 5 variant alleles.

Institute of Human Genetics, Univ. Regensburg, Univ. Regensburg
Classification: Pathogenic for Retinal dystrophy. Last evaluated: 2022-01-01. Review status: criteria provided, single submitter. Criteria: ACMG Guidelines, 2015. Collection method: clinical testing. Allele origin: germline. Affected: yes.

Institute of Medical Genetics and Applied Genomics, University Hospital Tübingen
Classification: Pathogenic. Last evaluated: 2020-10-23. Review status: criteria provided, single submitter. Criteria: ACMG Guidelines, 2015. Collection method: clinical testing. Allele origin: germline. Inheritance: Autosomal recessive inheritance. Affected: yes.

GeneDx
Classification: Pathogenic. Last evaluated: 2019-09-19. Review status: criteria provided, single submitter. Criteria: GeneDx Variant Classification Process June 2021. Collection method: clinical testing. Allele origin: germline. Affected: yes.
Comment: Nonsense variant predicted to result in protein truncation or nonsense mediated decay in a gene for which loss-of-function is a known mechanism of disease; Not observed in large population cohorts (Lek et al., 2016); This variant is associated with the following publications: (PMID: 29555955, 15192030, 25525159)

CeGaT Center for Human Genetics Tuebingen
Classification: Pathogenic. Last evaluated: 2017-07-01. Review status: criteria provided, single submitter. Criteria: CeGaT Center For Human Genetics Tuebingen Variant Classification Criteria Version 2. Collection method: clinical testing. Allele origin: germline. Affected: yes. Observed: 1 variant allele.

Literature cited by the submitters: PubMed 31522899 (cited by Victorian Clinical Genetics Services, Murdoch Childrens Research Institute); PubMed 31766579 (cited by Victorian Clinical Genetics Services, Murdoch Childrens Research Institute); PubMed 37734845 (cited by Victorian Clinical Genetics Services, Murdoch Childrens Research Institute); PubMed 10958761 (cited by Labcorp Genetics (formerly Invitae), Labcorp); PubMed 24938718 (cited by Labcorp Genetics (formerly Invitae), Labcorp); PubMed 25312043 (cited by Labcorp Genetics (formerly Invitae), Labcorp); PubMed 26780318 (cited by Labcorp Genetics (formerly Invitae), Labcorp); PubMed 29555955 (cited by Labcorp Genetics (formerly Invitae), Labcorp and Institute of Human Genetics, Univ. Regensburg, Univ. Regensburg); PubMed 29854428 (cited by Labcorp Genetics (formerly Invitae), Labcorp); PubMed 15192030 (cited by Institute of Human Genetics, Univ. Regensburg, Univ. Regensburg); PubMed 25525159 (cited by Institute of Human Genetics, Univ. Regensburg, Univ. Regensburg); PubMed 32531858 (cited by Institute of Human Genetics, Univ. Regensburg, Univ. Regensburg); PubMed 36460718 (cited by Institute of Human Genetics, Univ. Regensburg, Univ. Regensburg).

NM_000350.3(ABCA4):c.2626C>T (p.Gln876Ter)

Gene: ABCA4 (ATP binding cassette subfamily A member 4; minus strand). Cytogenetic location: 1p22.1.
Variant type: single nucleotide variant.
Coding change: c.2626C>T on transcript NM_000350.3 (MANE Select); coding-DNA position 2626, C replaced by T.
Protein change: p.Gln876Ter; replaces glutamine 876 with a stop codon.
Molecular consequence: nonsense.
Genome position (GRCh38, 1-based): chr1:94,051,660, G>A on the plus strand (C>T on the coding strand, the complement: ABCA4 is on the minus strand). VCF-style: chr1-94051660-G-A. GRCh37 (hg19) VCF-style: chr1-94517216-G-A.
Other names: c.2404C>T, p.Gln802Ter (NM_001425324.1); short protein forms Q876*, Q802*.
Identifiers: ClinVar variation 862066 (VCV000862066.60), dbSNP rs1660843703, ClinGen allele CA341276127.
Genomic context (GRCh38, chr1:94,051,660, plus strand): 5'-CAAACATTAAGATTTGTGTTTTAAAGGACTCACCTTCACCGCCAAGCCAATACGACTCTT[G>A]TAGAAGAAAGTACCAAGGAAGTGGGGTTCCATAGTCTCCTAAAAATAGAGACAAATAAAC-3'